The following is an entry in ClinVar:

ClinVar aggregate classification (germline): Uncertain significance. Review status: criteria provided, multiple submitters, no conflicts (2 of 4 stars). 3 submissions from 3 submitters: Uncertain significance (3). Last evaluated 2024-04-16.

Conditions:
Schimke immuno-osseous dysplasia (SIOD). Also called: Schimke Immunoosseous Dysplasia. Identifiers: Orphanet 1830, MedGen C0877024, MONDO:0009458, OMIM 242900.

Allele frequency attached by ClinVar (database versions not stated): ExAC 0.00001; gnomAD exomes 0.00001; gnomAD 0.00002 and 0.00003; TOPMed 0.00009.
gnomAD v4.1: 20 of 1,613,566 alleles (0.0012%); highest among the groups gnomAD compares: Admixed American, 0.0033%; no homozygotes.

Submissions (3):

Fulgent Genetics
Classification: Uncertain significance for Schimke immuno-osseous dysplasia. Last evaluated: 2024-04-16. Review status: criteria provided, single submitter. Criteria: ACMG Guidelines, 2015. Collection method: clinical testing. Allele origin: germline.

Blueprint Genetics
Classification: Uncertain significance. Last evaluated: 2024-01-17. Review status: criteria provided, single submitter. Criteria: ACMG Guidelines, 2015. Collection method: clinical testing. Allele origin: germline.

Labcorp Genetics (formerly Invitae), Labcorp
Classification: Uncertain significance for Schimke immuno-osseous dysplasia. Last evaluated: 2022-10-08. Review status: criteria provided, single submitter. Criteria: Invitae Variant Classification Sherloc (09022015). Collection method: clinical testing. Allele origin: germline.
Comment: This sequence change replaces lysine, which is basic and polar, with threonine, which is neutral and polar, at codon 289 of the SMARCAL1 protein (p.Lys289Thr). This variant is present in population databases (rs767482393, gnomAD 0.002%). This variant has not been reported in the literature in individuals affected with SMARCAL1-related conditions. ClinVar contains an entry for this variant (Variation ID: 834182). Advanced modeling of protein sequence and biophysical properties (such as structural, functional, and spatial information, amino acid conservation, physicochemical variation, residue mobility, and thermodynamic stability) performed at Invitae indicates that this missense variant is not expected to disrupt SMARCAL1 protein function. In summary, the available evidence is currently insufficient to determine the role of this variant in disease. Therefore, it has been classified as a Variant of Uncertain Significance.

NM_014140.4(SMARCAL1):c.866A>C (p.Lys289Thr)

Gene: SMARCAL1 (SNF2 related chromatin remodeling annealing helicase 1; plus strand). Cytogenetic location: 2q35.
Variant type: single nucleotide variant.
Coding change: c.866A>C on transcript NM_014140.4 (MANE Select); coding-DNA position 866, A replaced by C.
Protein change: p.Lys289Thr; replaces lysine 289 with threonine.
Molecular consequence: missense variant.
Genome position (GRCh38, 1-based): chr2:216,420,302, A>C. VCF-style: chr2-216420302-A-C. GRCh37 (hg19) VCF-style: chr2-217285025-A-C.
Other names: c.866A>C, p.Lys289Thr (NM_001127207.2); short protein forms K289T.
Identifiers: ClinVar variation 834182 (VCV000834182.6), dbSNP rs767482393, ClinGen allele CA2097730.